The following is an entry in ClinVar:

NM_000199.5(SGSH):c.136G>A (p.Ala46Thr)

Gene: SGSH (N-sulfoglucosamine sulfohydrolase; minus strand). Cytogenetic location: 17q25.3.
Variant type: single nucleotide variant.
Coding change: c.136G>A on transcript NM_000199.5 (MANE Select); coding-DNA position 136, G replaced by A.
Protein change: p.Ala46Thr; replaces alanine 46 with threonine.
Molecular consequence: missense variant. On other transcripts: non-coding transcript variant (1).
Genome position (GRCh38, 1-based): chr17:80,217,145, C>T on the plus strand (G>A on the coding strand, the complement: SGSH is on the minus strand). VCF-style: chr17-80217145-C-T. GRCh37 (hg19) VCF-style: chr17-78190944-C-T.
Other names: c.136G>A, p.Ala46Thr (NM_001352921.3, NM_001352922.2); short protein forms A46T.
Identifiers: ClinVar variation 1418862 (VCV001418862.7), dbSNP rs772636496, ClinGen allele CA8818162.

ClinVar aggregate classification (germline): Uncertain significance (1 of 4 stars; one submission).

Conditions:
Mucopolysaccharidosis, MPS-III-A (MPS3A). Also called: HEPARAN SULFATE SULFATASE DEFICIENCY; SANFILIPPO SYNDROME A; SULFAMIDASE DEFICIENCY; MPS III A; MPS IIIA (Sanfilippo Syndrome Type A); Mucopolysaccharidosis type IIIA (Sanfilippo A). Identifiers: Orphanet 581, Orphanet 79269, MedGen C0086647, MONDO:0009655, OMIM 252900.

Allele frequency attached by ClinVar (database versions not stated): gnomAD exomes 0.00002 and 0.00001; ExAC 0.00003.
gnomAD v4.1: 14 of 1,600,002 alleles (0.00087%); highest among the groups gnomAD compares: South Asian, 0.0045%; no homozygotes.

Submission:

Labcorp Genetics (formerly Invitae), Labcorp
Classification: Uncertain significance for Mucopolysaccharidosis, MPS-III-A. Last evaluated: 2024-11-11. Review status: criteria provided, single submitter. Criteria: Invitae Variant Classification Sherloc (09022015). Collection method: clinical testing. Allele origin: germline.
Comment: This sequence change replaces alanine, which is neutral and non-polar, with threonine, which is neutral and polar, at codon 46 of the SGSH protein (p.Ala46Thr). This variant is present in population databases (rs772636496, gnomAD 0.01%). This variant has not been reported in the literature in individuals affected with SGSH-related conditions. ClinVar contains an entry for this variant (Variation ID: 1418862). Invitae Evidence Modeling of protein sequence and biophysical properties (such as structural, functional, and spatial information, amino acid conservation, physicochemical variation, residue mobility, and thermodynamic stability) indicates that this missense variant is not expected to disrupt SGSH protein function with a negative predictive value of 80%. In summary, the available evidence is currently insufficient to determine the role of this variant in disease. Therefore, it has been classified as a Variant of Uncertain Significance.